The following is an entry in ClinVar:

NM_001372.4(DNAH9):c.7240dup (p.Gln2414fs)

Gene: DNAH9 (dynein axonemal heavy chain 9; plus strand). Cytogenetic location: 17p12.
Variant type: Duplication.
Coding change: c.7240dup on transcript NM_001372.4 (MANE Select); coding-DNA position 7240, one base duplicated (C; older notation c.7240dupC).
Protein change: p.Gln2414fs; shifts the reading frame from glutamine 2414.
Molecular consequence: frameshift variant.
Genome position (GRCh38, 1-based): chr17:11,768,522, C duplicated; the last of 3 consecutive C bases (chr17:11,768,520-11,768,522); duplicating any one gives the same sequence. VCF-style (leftmost placement, unchanged base first): chr17-11768519-T-TC. GRCh37 (hg19) VCF-style: chr17-11671836-T-TC.
Other names: short protein forms Q2414fs.
Identifiers: ClinVar variation 3721657 (VCV003721657.2).

ClinVar aggregate classification (germline): Pathogenic (1 of 4 stars; one submission).

Submission:

Labcorp Genetics (formerly Invitae), Labcorp
Classification: Pathogenic. Last evaluated: 2024-11-15. Review status: criteria provided, single submitter. Criteria: Invitae Variant Classification Sherloc (09022015). Collection method: clinical testing. Allele origin: germline.
Comment: This sequence change creates a premature translational stop signal (p.Gln2414Profs*6) in the DNAH9 gene. It is expected to result in an absent or disrupted protein product. Loss-of-function variants in DNAH9 are known to be pathogenic (PMID: 30471718). This variant is not present in population databases (gnomAD no frequency). This variant has not been reported in the literature in individuals affected with DNAH9-related conditions. For these reasons, this variant has been classified as Pathogenic.

Literature cited by the submitters: PubMed 30471718.